The following is an entry in ClinVar:

NM_000245.4(MET):c.2630T>C (p.Val877Ala)

Gene: MET (MET proto-oncogene, receptor tyrosine kinase; plus strand). Cytogenetic location: 7q31.2.
Variant type: single nucleotide variant.
Coding change: c.2630T>C on transcript NM_000245.4 (MANE Select); coding-DNA position 2630, T replaced by C.
Protein change: p.Val877Ala; replaces valine 877 with alanine.
Molecular consequence: missense variant.
Genome position (GRCh38, 1-based): chr7:116,769,691, T>C. VCF-style: chr7-116769691-T-C. GRCh37 (hg19) VCF-style: chr7-116409745-T-C.
Other names: c.2684T>C, p.Val895Ala (NM_001127500.3); c.2630T>C, p.Val877Ala (NM_001324401.3); c.1340T>C, p.Val447Ala (NM_001324402.2); c.2684T>C (NM_001127500.2); short protein forms V447A, V877A, V895A.
Identifiers: ClinVar variation 1794708 (VCV001794708.3), dbSNP rs2116983150, ClinGen allele CA368985440.

ClinVar aggregate classification (germline): Uncertain significance. Review status: criteria provided, multiple submitters, no conflicts (2 of 4 stars). 2 submissions from 2 submitters: Uncertain significance (2). Last evaluated 2024-02-13.

Conditions:
Hereditary cancer-predisposing syndrome. Also called: Tumor predisposition; Hereditary Cancer Syndrome; Neoplastic Syndromes, Hereditary; Hereditary neoplastic syndrome. Identifiers: Orphanet 140162, MedGen C0027672, MeSH D009386, MONDO:0015356.

Submissions (2):

Quest Diagnostics Nichols Institute San Juan Capistrano
Classification: Uncertain significance. Last evaluated: 2024-02-13. Review status: criteria provided, single submitter. Criteria: Quest Diagnostics criteria. Collection method: clinical testing. Allele origin: unknown.

Ambry Genetics
Classification: Uncertain significance for Hereditary cancer-predisposing syndrome. Last evaluated: 2022-05-12. Review status: criteria provided, single submitter. Criteria: Ambry Variant Classification Scheme 2023. Collection method: clinical testing. Allele origin: germline.
Comment: The p.V895A variant (also known as c.2684T>C), located in coding exon 11 of the MET gene, results from a T to C substitution at nucleotide position 2684. The valine at codon 895 is replaced by alanine, an amino acid with similar properties. This amino acid position is conserved. In addition, the in silico prediction for this alteration is inconclusive. Since supporting evidence is limited at this time, the clinical significance of this alteration remains unclear.